The following is an entry in ClinVar:

NM_001035.3(RYR2):c.476G>T (p.Trp159Leu)

Gene: RYR2 (ryanodine receptor 2; plus strand). Cytogenetic location: 1q43.
Variant type: single nucleotide variant.
Coding change: c.476G>T on transcript NM_001035.3 (MANE Select); coding-DNA position 476, G replaced by T.
Protein change: p.Trp159Leu; replaces tryptophan 159 with leucine.
Molecular consequence: missense variant.
Genome position (GRCh38, 1-based): chr1:237,377,335, G>T. VCF-style: chr1-237377335-G-T. GRCh37 (hg19) VCF-style: chr1-237540635-G-T.
Other names: short protein forms W159L.
Identifiers: ClinVar variation 3074229 (VCV003074229.1), dbSNP rs2529991326, ClinGen allele CA345375421.

ClinVar aggregate classification (germline): Uncertain significance (1 of 4 stars; one submission).

Conditions:
Catecholaminergic polymorphic ventricular tachycardia (CVPT). Also called: Catecholamine-induced polymorphic ventricular tachycardia. Identifiers: Orphanet 3286, MedGen C5574922, MONDO:0017990.

Allele frequency attached by ClinVar (database versions not stated): gnomAD exomes below 0.00001.
gnomAD v4.1: 1 of 1,611,692 alleles (0.000062%); highest among the groups gnomAD compares: Non-Finnish European, 0.000085%; no homozygotes.

Submission:

All of Us Research Program, National Institutes of Health
Classification: Uncertain significance for Catecholaminergic polymorphic ventricular tachycardia. Last evaluated: 2023-12-01. Review status: criteria provided, single submitter. Criteria: ACMG Guidelines, 2015. Collection method: clinical testing. Allele origin: germline. Inheritance: Autosomal dominant inheritance. Observed: 1 variant allele, 1 heterozygote.
Comment: This study involves interpretation of variants in research participants for the purpose of population health screening. Participant phenotype was not available at the time of variant classification. Additional details can be found in publication PMID: 35346344, PMCID: PMC8962531